The following is an entry in ClinVar:

ClinVar aggregate classification (germline): Uncertain significance (1 of 4 stars; one submission).

Allele frequency attached by ClinVar (database versions not stated): gnomAD exomes below 0.00001.
gnomAD v4.1: 2 of 1,613,602 alleles (0.00012%); highest among the groups gnomAD compares: Non-Finnish European, 0.000085%; no homozygotes.

Submission:

Labcorp Genetics (formerly Invitae), Labcorp
Classification: Uncertain significance. Last evaluated: 2024-01-06. Review status: criteria provided, single submitter. Criteria: Invitae Variant Classification Sherloc (09022015). Collection method: clinical testing. Allele origin: germline.
Comment: This sequence change replaces alanine, which is neutral and non-polar, with serine, which is neutral and polar, at codon 1037 of the DCHS1 protein (p.Ala1037Ser). This variant is not present in population databases (gnomAD no frequency). This variant has not been reported in the literature in individuals affected with DCHS1-related conditions. Advanced modeling of protein sequence and biophysical properties (such as structural, functional, and spatial information, amino acid conservation, physicochemical variation, residue mobility, and thermodynamic stability) performed at Invitae indicates that this missense variant is not expected to disrupt DCHS1 protein function with a negative predictive value of 80%. In summary, the available evidence is currently insufficient to determine the role of this variant in disease. Therefore, it has been classified as a Variant of Uncertain Significance.

NM_003737.4(DCHS1):c.3109G>T (p.Ala1037Ser)

Gene: DCHS1 (dachsous cadherin-related 1; minus strand). Cytogenetic location: 11p15.4.
Variant type: single nucleotide variant.
Coding change: c.3109G>T on transcript NM_003737.4 (MANE Select); coding-DNA position 3109, G replaced by T.
Protein change: p.Ala1037Ser; replaces alanine 1037 with serine.
Molecular consequence: missense variant.
Genome position (GRCh38, 1-based): chr11:6,632,403, C>A on the plus strand (G>T on the coding strand, the complement: DCHS1 is on the minus strand). VCF-style: chr11-6632403-C-A. GRCh37 (hg19) VCF-style: chr11-6653634-C-A.
Other names: short protein forms A1037S.
Identifiers: ClinVar variation 2780047 (VCV002780047.3), dbSNP rs2493829070, ClinGen allele CA379417218.